The following is an entry in ClinVar:

ClinVar aggregate classification (germline): Uncertain significance (1 of 4 stars; one submission).

Conditions:
Hereditary sensory and autonomic neuropathy type 6. Also called: HSAN VI; Neuropathy, hereditary sensory and autonomic, type VI. Identifiers: Orphanet 314381, MedGen C3539003, MONDO:0013839, OMIM 614653.
Epidermolysis bullosa simplex 3, localized or generalized intermediate, with BP230 deficiency (EBS3). Also called: Epidermolysis bullosa simplex, autosomal recessive 2; Epidermolysis bullosa simplex due to BP230 deficiency. Identifiers: Orphanet 412181, MedGen C3809470, MONDO:0014180, OMIM 615425.

Allele frequency attached by ClinVar (database versions not stated): gnomAD exomes below 0.00001; ExAC 0.00001.
gnomAD v4.1: 5 of 1,612,858 alleles (0.00031%); highest among the groups gnomAD compares: Admixed American, 0.0067%; no homozygotes.

Submission:

Labcorp Genetics (formerly Invitae), Labcorp
Classification: Uncertain significance for Epidermolysis bullosa simplex 3, localized or generalized intermediate, with BP230 deficiency; Hereditary sensory and autonomic neuropathy type 6. Last evaluated: 2024-10-29. Review status: criteria provided, single submitter. Criteria: Invitae Variant Classification Sherloc (09022015). Collection method: clinical testing. Allele origin: germline.
Comment: The DST gene has multiple clinically relevant transcripts. This variant occurs in alternate transcript NM_015548.4, and corresponds to NM_001723.5:c.*58029C>T in the primary transcript. This sequence change replaces threonine, which is neutral and polar, with isoleucine, which is neutral and non-polar, at codon 2201 of the DST protein (p.Thr2201Ile). This variant is present in population databases (rs770509273, gnomAD 0.009%). This variant has not been reported in the literature in individuals affected with DST-related conditions. Experimental studies and prediction algorithms are not available or were not evaluated, and the functional significance of this variant is currently unknown. In summary, the available evidence is currently insufficient to determine the role of this variant in disease. Therefore, it has been classified as a Variant of Uncertain Significance.

NM_001374736.1(DST):c.14471C>T (p.Thr4824Ile)

Gene: DST (dystonin; minus strand). Cytogenetic location: 6p12.1.
Variant type: single nucleotide variant.
Coding change: c.14471C>T on transcript NM_001374736.1 (MANE Select); coding-DNA position 14471, C replaced by T.
Protein change: p.Thr4824Ile; replaces threonine 4824 with isoleucine.
Molecular consequence: missense variant.
Genome position (GRCh38, 1-based): chr6:56,557,488, G>A on the plus strand (C>T on the coding strand, the complement: DST is on the minus strand). VCF-style: chr6-56557488-G-A. GRCh37 (hg19) VCF-style: chr6-56422286-G-A.
Other names: c.8114C>T, p.Thr2705Ile (NM_001144769.5); c.7700C>T, p.Thr2567Ile (NM_001144770.2); c.14471C>T, p.Thr4824Ile (NM_001374722.1); c.13838C>T, p.Thr4613Ile (NM_001374729.1); c.7580C>T, p.Thr2527Ile (NM_001374730.1, NM_001386100.1, NM_183380.4); c.14498C>T, p.Thr4833Ile (NM_001374734.1); c.6602C>T, p.Thr2201Ile (NM_015548.5); short protein forms T2567I, T2201I, T4613I, T4824I, T2705I, T4833I, T2527I.
Identifiers: ClinVar variation 2928645 (VCV002928645.3), dbSNP rs770509273, ClinGen allele CA3868001.
Genomic context (GRCh38, chr6:56,557,488, plus strand): 5'-ACAGTCTGGAACTGGGTTAGATTATTGGAGGATTCTTCCAGTTTTTGTTGTCTATCAATT[G>A]TTAATTGATTGAGTTCTTGCCACTTAGAATCTAAAAGAAAAAAAATGAAACTGGTGTTTG-3'
Protein context (NP_001361665.1, residues 4814-4834): DSKWQELNQL[Thr4824Ile]IDRQQKLEES